The following is an entry in ClinVar:

ClinVar aggregate classification (germline): Uncertain significance. Review status: criteria provided, multiple submitters, no conflicts (2 of 4 stars). 2 submissions from 2 submitters: Uncertain significance (2). Last evaluated 2026-02-09.

Conditions:
Hereditary cancer-predisposing syndrome. Also called: Hereditary Cancer Syndrome; Hereditary neoplastic syndrome; Neoplastic Syndromes, Hereditary; Tumor predisposition. Identifiers: Orphanet 140162, MedGen C0027672, MeSH D009386, MONDO:0015356.
Classic or attenuated familial adenomatous polyposis. Identifiers: MedGen CN372698, MONDO:0021057.

Submissions (2):

Dasa
Classification: Uncertain significance for classic or attenuated familial adenomatous polyposis. Last evaluated: 2026-02-09. Review status: criteria provided, single submitter. Criteria: DASA Assertion Criteria. Collection method: clinical testing. Allele origin: germline.
Comment: NM_000038.6(APC):c.2404G>A (p.Asp802Asn) is a missense variant that results in the substitution of aspartic acid with asparagine. This variant is absent from population databases. The currently available literature and clinical evidence are not sufficient to establish a definitive association between this variant and the reported condition. Therefore, this variant is classified as a variant of uncertain significance.

Ambry Genetics
Classification: Uncertain significance for Hereditary cancer-predisposing syndrome. Last evaluated: 2025-01-09. Review status: criteria provided, single submitter. Criteria: Ambry Variant Classification Scheme 2023. Collection method: clinical testing. Allele origin: germline.
Comment: The p.D802N variant (also known as c.2404G>A), located in coding exon 15 of the APC gene, results from a G to A substitution at nucleotide position 2404. The aspartic acid at codon 802 is replaced by asparagine, an amino acid with highly similar properties. This amino acid position is conserved. In addition, in silico predictors for this gene do not accurately predict pathogenicity. Based on the available evidence, the clinical significance of this variant remains unclear.

NM_000038.6(APC):c.2404G>A (p.Asp802Asn)

Gene: APC (APC regulator of Wnt signaling pathway; plus strand). Cytogenetic location: 5q22.2.
Variant type: single nucleotide variant.
Coding change: c.2404G>A on transcript NM_000038.6 (MANE Select); coding-DNA position 2404, G replaced by A.
Protein change: p.Asp802Asn; replaces aspartic acid 802 with asparagine.
Molecular consequence: missense variant. On other transcripts: non-coding transcript variant (2).
Genome position (GRCh38, 1-based): chr5:112,837,998, G>A. VCF-style: chr5-112837998-G-A. GRCh37 (hg19) VCF-style: chr5-112173695-G-A.
Other names: c.2320G>A, p.Asp774Asn (NM_001354899.2); c.2281G>A, p.Asp761Asn (NM_001354900.2); c.2227G>A, p.Asp743Asn (NM_001354901.2, NM_001407453.1); c.2131G>A, p.Asp711Asn (NM_001354902.2); c.2101G>A, p.Asp701Asn (NM_001354903.2, NM_001407458.1, NM_001407459.1 and 1 more transcripts); c.2026G>A, p.Asp676Asn (NM_001354904.2); c.1924G>A, p.Asp642Asn (NM_001354905.2); c.1555G>A, p.Asp519Asn (NM_001354906.2, NM_001407470.1); and 11 more; short protein forms D418N, D676N, D743N, D830N, D519N, D642N, D701N, D784N.
Identifiers: ClinVar variation 3880039 (VCV003880039.3).